The following is an entry in ClinVar:

NM_014850.4(SRGAP3):c.171T>G (p.Ala57=)

Gene: SRGAP3 (SLIT-ROBO Rho GTPase activating protein 3; minus strand). Cytogenetic location: 3p25.3.
Variant type: single nucleotide variant.
Coding change: c.171T>G on transcript NM_014850.4 (MANE Select); coding-DNA position 171, T replaced by G.
Protein change: p.Ala57=; no amino-acid change (alanine 57 retained).
Molecular consequence: synonymous variant.
Genome position (GRCh38, 1-based): chr3:9,124,814, A>C on the plus strand (T>G on the coding strand, the complement: SRGAP3 is on the minus strand). VCF-style: chr3-9124814-A-C. GRCh37 (hg19) VCF-style: chr3-9166498-A-C.
Other names: c.171T>G, p.Ala57= (NM_001033117.3).
Identifiers: ClinVar variation 733314 (VCV000733314.5), dbSNP rs138801402, ClinGen allele CA2238230.
Genomic context (GRCh38, chr3:9,124,814, plus strand): 5'-TTTGGAGGAGAAGCGCTCAGCCAGCTTCTCCAGGCTGCGGGAGTACTCGAGCTCAATCTC[A>C]GCTTTCCGGCGGAAAAACTCCTGGAGGTCTTGAAGCAGCTGCAGTCGCGACTCTGATTGC-3'
Protein context (NP_055665.1, residues 47-67): QDLQEFFRRK[Ala57=]EIELEYSRSL

ClinVar aggregate classification (germline): Likely benign. Review status: criteria provided, single submitter (1 of 4 stars). 2 submissions from 2 submitters: Likely benign (1). 1 of the submissions does not count toward it. Last evaluated 2018-05-23.

Conditions:
SRGAP3-related disorder. Also called: SRGAP3-related condition.

Allele frequency attached by ClinVar (database versions not stated): 1000 Genomes Project 30x 0.00031; 1000 Genomes Project 0.00040; ESP Exome Variant Server 0.00100; TOPMed 0.00104; gnomAD exomes 0.00113 and 0.00147; ExAC 0.00114; gnomAD 0.00125 and 0.00129.
gnomAD v4.1: 2,317 of 1,614,248 alleles (0.14%); highest among the groups gnomAD compares: Non-Finnish European, 0.17%; 4 homozygotes.

Submissions (2):

Labcorp Genetics (formerly Invitae), Labcorp
Classification: Likely benign. Last evaluated: 2018-05-23. Review status: criteria provided, single submitter. Criteria: Invitae Variant Classification Sherloc (09022015). Collection method: clinical testing. Allele origin: germline.

PreventionGenetics, part of Exact Sciences
Classification: Likely benign for SRGAP3-related condition. Last evaluated: 2019-07-15. Review status: no assertion criteria provided. Collection method: clinical testing. Allele origin: germline. Not counted in ClinVar's aggregate classification.
Comment: This variant is classified as likely benign based on ACMG/AMP sequence variant interpretation guidelines (Richards et al. 2015 PMID: 25741868, with internal and published modifications).